The following is an entry in ClinVar:

ClinVar aggregate classification (germline): Uncertain significance (1 of 4 stars; one submission).

Submission:

Labcorp Genetics (formerly Invitae), Labcorp
Classification: Uncertain significance. Last evaluated: 2022-08-16. Review status: criteria provided, single submitter. Criteria: Invitae Variant Classification Sherloc (09022015). Collection method: clinical testing. Allele origin: germline.
Comment: Algorithms developed to predict the effect of missense changes on protein structure and function are either unavailable or do not agree on the potential impact of this missense change (SIFT: "Not Available"; PolyPhen-2: "Probably Damaging"; Align-GVGD: "Not Available"). In summary, the available evidence is currently insufficient to determine the role of this variant in disease. Therefore, it has been classified as a Variant of Uncertain Significance. This variant has not been reported in the literature in individuals affected with VPS13D-related conditions. This variant is not present in population databases (gnomAD no frequency). This sequence change replaces threonine, which is neutral and polar, with isoleucine, which is neutral and non-polar, at codon 2910 of the VPS13D protein (p.Thr2910Ile).

NM_015378.4(VPS13D):c.8729C>T (p.Thr2910Ile)

Gene: VPS13D (vacuolar protein sorting 13 homolog D; plus strand). Cytogenetic location: 1p36.22.
Variant type: single nucleotide variant.
Coding change: c.8729C>T on transcript NM_015378.4 (MANE Select); coding-DNA position 8729, C replaced by T.
Protein change: p.Thr2910Ile; replaces threonine 2910 with isoleucine.
Molecular consequence: missense variant.
Genome position (GRCh38, 1-based): chr1:12,341,882, C>T. VCF-style: chr1-12341882-C-T. GRCh37 (hg19) VCF-style: chr1-12401939-C-T.
Other names: c.8654C>T, p.Thr2885Ile (NM_018156.4); short protein forms T2885I, T2910I.
Identifiers: ClinVar variation 2120897 (VCV002120897.4), dbSNP rs2524316742, ClinGen allele CA338489602.
Genomic context (GRCh38, chr1:12,341,882, plus strand): 5'-TTGCTCTGAGGAACCACACGGGGTGCACTTTGTGGTTTGCCACCCTGACCACCACACCCA[C>T]CAGGTAAGCAGTCAGTTTATATTACCCCGAGTCATCTCTGCCACCAAAGCCTTCTTGTGC-3'
Protein context (NP_056193.2, residues 2900-2920): LWFATLTTTP[Thr2910Ile]RAALSHSGSP